The following is an entry in ClinVar:

NM_015295.3(SMCHD1):c.3673A>T (p.Ile1225Phe)

Gene: SMCHD1 (structural maintenance of chromosomes flexible hinge domain containing 1; plus strand). Cytogenetic location: 18p11.32.
Variant type: single nucleotide variant.
Coding change: c.3673A>T on transcript NM_015295.3 (MANE Select); coding-DNA position 3673, A replaced by T.
Protein change: p.Ile1225Phe; replaces isoleucine 1225 with phenylalanine.
Molecular consequence: missense variant.
Genome position (GRCh38, 1-based): chr18:2,743,800, A>T. VCF-style: chr18-2743800-A-T. GRCh37 (hg19) VCF-style: chr18-2743798-A-T.
Other names: short protein forms I1225F.
Identifiers: ClinVar variation 3707107 (VCV003707107.2).

ClinVar aggregate classification (germline): Uncertain significance (1 of 4 stars; one submission).

Conditions:
Facioscapulohumeral muscular dystrophy 2 (FSHD2). Also called: MUSCULAR DYSTROPHY, FACIOSCAPULOHUMERAL, TYPE 1B; FACIOSCAPULOHUMERAL MUSCULAR DYSTROPHY 2, DIGENIC; FSHD2, DIGENIC. Identifiers: Orphanet 269, MedGen C1834671, MONDO:0008031, OMIM 158901.

Submission:

Labcorp Genetics (formerly Invitae), Labcorp
Classification: Uncertain significance for Facioscapulohumeral muscular dystrophy 2. Last evaluated: 2024-11-21. Review status: criteria provided, single submitter. Criteria: Invitae Variant Classification Sherloc (09022015). Collection method: clinical testing. Allele origin: germline.
Comment: This sequence change replaces isoleucine, which is neutral and non-polar, with phenylalanine, which is neutral and non-polar, at codon 1225 of the SMCHD1 protein (p.Ile1225Phe). This variant is not present in population databases (gnomAD no frequency). This variant has not been reported in the literature in individuals affected with SMCHD1-related conditions. Invitae Evidence Modeling of protein sequence and biophysical properties (such as structural, functional, and spatial information, amino acid conservation, physicochemical variation, residue mobility, and thermodynamic stability) indicates that this missense variant is not expected to disrupt SMCHD1 protein function with a negative predictive value of 80%. Algorithms developed to predict the effect of sequence changes on RNA splicing suggest that this variant may disrupt the consensus splice site. In summary, the available evidence is currently insufficient to determine the role of this variant in disease. Therefore, it has been classified as a Variant of Uncertain Significance.